The following is an entry in ClinVar:

ClinVar aggregate classification (germline): Uncertain significance. Review status: criteria provided, single submitter (1 of 4 stars). 2 submissions from 2 submitters: Uncertain significance (1). 1 of the submissions does not count toward it. Last evaluated 2024-10-11.

Conditions:
Hereditary factor VIII deficiency disease (HEMA). Also called: AUTOSOMAL HEMOPHILIA A; Hemophilia A; HEMOPHILIA, CLASSIC; Hemophilia A, congenital; HEM A; Factor 8 deficiency, congenital. Identifiers: Orphanet 98878, MedGen C0019069, MONDO:0010602, OMIM 306700.

Submissions (2):

Women's Health and Genetics/Laboratory Corporation of America, LabCorp
Classification: Uncertain significance. Last evaluated: 2024-10-11. Review status: criteria provided, single submitter. Criteria: LabCorp Variant Classification Summary - May 2015. Collection method: clinical testing. Allele origin: germline.
Comment: Variant summary: F8 c.410C>T (p.Thr137Ile) results in a non-conservative amino acid change located in the Multicopper oxidase-like, N-terminal domian (IPR011707) of the encoded protein sequence. Five of five in-silico tools predict a damaging effect of the variant on protein function. The variant was absent in 182499 control chromosomes. c.410C>T has been reported in the literature in two related individuals affected with Factor VIII Deficiency (Hemophilia A) (Schwaab_1995). These data indicate that the variant may be associated with disease. To our knowledge, no experimental evidence demonstrating an impact on protein function has been reported. The following publications have been ascertained in the context of this evaluation (PMID: 8547094). ClinVar contains an entry for this variant (Variation ID: 10174). Based on the evidence outlined above, the variant was classified as VUS-possibly pathogenic.

OMIM
Classification: Pathogenic for HEMOPHILIA A. Last evaluated: 1995-01-01. Review status: no assertion criteria provided. Collection method: literature only. Allele origin: germline. Not counted in ClinVar's aggregate classification.

Literature cited by the submitters: PubMed 19473423 (cited by Women's Health and Genetics/Laboratory Corporation of America, LabCorp); PubMed 8547094 (cited by Women's Health and Genetics/Laboratory Corporation of America, LabCorp); PubMed 7728145 (cited by OMIM); PubMed 6438527 (cited by OMIM).

NM_000132.4(F8):c.410C>T (p.Thr137Ile)

Gene: F8 (coagulation factor VIII; minus strand). Cytogenetic location: Xq28.
Variant type: single nucleotide variant.
Coding change: c.410C>T on transcript NM_000132.4 (MANE Select); coding-DNA position 410, C replaced by T.
Protein change: p.Thr137Ile; replaces threonine 137 with isoleucine.
Molecular consequence: missense variant.
Genome position (GRCh38, 1-based): chrX:154,993,127, G>A on the plus strand (C>T on the coding strand, the complement: F8 is on the minus strand). VCF-style: chrX-154993127-G-A. GRCh37 (hg19) VCF-style: chrX-154221402-G-A.
Other names: F8, THR137ILE; short protein forms T137I.
Identifiers: ClinVar variation 10174 (VCV000010174.3), dbSNP rs137852391, ClinGen allele CA255063.